The following is an entry in ClinVar:

ClinVar aggregate classification (germline): Pathogenic (1 of 4 stars; one submission).

Submission:

Labcorp Genetics (formerly Invitae), Labcorp
Classification: Pathogenic. Last evaluated: 2023-08-10. Review status: criteria provided, single submitter. Criteria: Invitae Variant Classification Sherloc (09022015). Collection method: clinical testing. Allele origin: germline.
Comment: For these reasons, this variant has been classified as Pathogenic. ClinVar contains an entry for this variant (Variation ID: 1499735). This variant has not been reported in the literature in individuals affected with CSF1R-related conditions. This variant is not present in population databases (gnomAD no frequency). This sequence change creates a premature translational stop signal (p.His790Glnfs*9) in the CSF1R gene. It is expected to result in an absent or disrupted protein product. Loss-of-function variants in CSF1R are known to be pathogenic (PMID: 22046273, 24120500, 24145216, 24336230, 30982608, 30982609).

Literature cited by the submitters: PubMed 22046273; PubMed 24120500; PubMed 24145216; PubMed 24336230; PubMed 30982608; PubMed 30982609.

NM_001288705.3(CSF1R):c.2370_2377del (p.His790fs)

Gene: CSF1R (colony stimulating factor 1 receptor; minus strand). Cytogenetic location: 5q32.
Variant type: Deletion.
Coding change: c.2370_2377del on transcript NM_001288705.3 (MANE Select); coding-DNA positions 2370 to 2377, 8 bases deleted (TGTGGCCA; older notation c.2370_2377delTGTGGCCA).
Protein change: p.His790fs; shifts the reading frame from histidine 790.
Molecular consequence: frameshift variant. On other transcripts: non-coding transcript variant (2).
Genome position (GRCh38, 1-based): chr5:150,056,284-150,056,291, TGGCCACA deleted on the plus strand (TGTGGCCA on the coding strand, the reverse complement: CSF1R is on the minus strand); deleting any 8 consecutive bases within chr5:150,056,284-150,056,293 gives the same sequence; the c. name uses the placement nearest the transcript's 3' end. VCF-style (leftmost placement, unchanged base first): chr5-150056283-TTGGCCACA-T. GRCh37 (hg19) VCF-style: chr5-149435846-TTGGCCACA-T.
Other names: c.2370_2377del, p.His790fs (NM_001349736.2, NM_001375320.1, NM_005211.4); c.1926_1933del, p.His642fs (NM_001375321.1); short protein forms H790fs, H642fs.
Identifiers: ClinVar variation 1499735 (VCV001499735.6), dbSNP rs2113779465, ClinGen allele CA2573139285.